The following is an entry in ClinVar:

ClinVar aggregate classification (germline): Uncertain significance (1 of 4 stars; one submission).

Submission:

GeneDx
Classification: Uncertain significance. Last evaluated: 2023-12-26. Review status: criteria provided, single submitter. Criteria: GeneDx Variant Classification Process June 2021. Collection method: clinical testing. Allele origin: germline. Affected: yes.
Comment: Not observed at significant frequency in large population cohorts (gnomAD); In silico analysis supports that this missense variant does not alter protein structure/function; Has not been previously published as pathogenic or benign to our knowledge

NM_018116.4(MSTO1):c.119A>T (p.Glu40Val)

Gene: MSTO1 (misato mitochondrial distribution and morphology regulator 1; plus strand). Cytogenetic location: 1q22.
Variant type: single nucleotide variant.
Coding change: c.119A>T on transcript NM_018116.4 (MANE Select); coding-DNA position 119, A replaced by T.
Protein change: p.Glu40Val; replaces glutamic acid 40 with valine.
Molecular consequence: missense variant. On other transcripts: 5 prime UTR variant (14), non-coding transcript variant (6).
Genome position (GRCh38, 1-based): chr1:155,610,459, A>T. VCF-style: chr1-155610459-A-T. GRCh37 (hg19) VCF-style: chr1-155580250-A-T.
Other names: c.119A>T, p.Glu40Val (NM_001256532.1, NM_001256533.1, NM_001350772.1 and 3 more transcripts); c.-169A>T (NM_001350776.1); c.-438A>T (NM_001350777.1, NM_001350779.1); c.-502A>T (NM_001350778.1); c.-554A>T (NM_001350780.1); c.-955A>T (NM_001350781.1); c.-480A>T (NM_001350782.1, NM_001350783.1, NM_001350786.1 and 1 more transcripts); c.-487A>T (NM_001350784.1, NM_001350787.1); and 2 more; short protein forms E40V.
Identifiers: ClinVar variation 3370226 (VCV003370226.1).